The following is an entry in ClinVar:

NM_006270.5(RRAS):c.598C>T (p.Pro200Ser)

Gene: RRAS (RAS related; minus strand). Cytogenetic location: 19q13.33.
Variant type: single nucleotide variant.
Coding change: c.598C>T on transcript NM_006270.5 (MANE Select); coding-DNA position 598, C replaced by T.
Protein change: p.Pro200Ser; replaces proline 200 with serine.
Molecular consequence: missense variant.
Genome position (GRCh38, 1-based): chr19:49,635,635, G>A on the plus strand (C>T on the coding strand, the complement: RRAS is on the minus strand). VCF-style: chr19-49635635-G-A. GRCh37 (hg19) VCF-style: chr19-50138892-G-A.
Other names: short protein forms P200S.
Identifiers: ClinVar variation 1003768 (VCV001003768.11), dbSNP rs548040971, ClinGen allele CA9578935.

ClinVar aggregate classification (germline): Uncertain significance. Review status: criteria provided, multiple submitters, no conflicts (2 of 4 stars). 2 submissions from 2 submitters: Uncertain significance (2). Last evaluated 2025-10-13.

Conditions:
Noonan syndrome (NS). Also called: Noonan's syndrome. Identifiers: Orphanet 648, MedGen C0028326, MeSH D009634, MONDO:0018997. Disease mechanism: gain of function.

Allele frequency attached by ClinVar (database versions not stated): 1000 Genomes Project 0.00020; gnomAD exomes 0.00004 and 0.00009; TOPMed 0.00002; ExAC 0.00003; gnomAD 0.00004; 1000 Genomes Project 30x 0.00016.

Submissions (2):

Labcorp Genetics (formerly Invitae), Labcorp
Classification: Uncertain significance for Noonan syndrome. Last evaluated: 2025-10-13. Review status: criteria provided, single submitter. Criteria: Invitae Variant Classification Sherloc (09022015). Collection method: clinical testing. Allele origin: germline.
Comment: This sequence change replaces proline, which is neutral and non-polar, with serine, which is neutral and polar, at codon 200 of the RRAS protein (p.Pro200Ser). This variant is present in population databases (rs548040971, gnomAD 0.007%). This variant has not been reported in the literature in individuals affected with RRAS-related conditions. ClinVar contains an entry for this variant (Variation ID: 1003768). An algorithm developed to predict the effect of missense changes on protein structure and function (PolyPhen-2) suggests that this variant is likely to be tolerated. In summary, the available evidence is currently insufficient to determine the role of this variant in disease. Therefore, it has been classified as a Variant of Uncertain Significance.

St. Jude Molecular Pathology, St. Jude Children's Research Hospital
Classification: Uncertain significance for Noonan syndrome. Last evaluated: 2025-06-17. Review status: criteria provided, single submitter. Criteria: St. Jude Assertion Criteria 2020. Collection method: clinical testing. Allele origin: germline.
Comment: The RRAS c.598C>T p.(Pro200Ser) missense change has a maximum subpopulation frequency of 0.0082% in gnomAD v2.1.1. The in silico tool REVEL predicts a benign effect on protein function, but to our knowledge this prediction has not been confirmed by functional studies. To our knowledge, this variant has not been reported in individuals with Noonan syndrome. In summary, the evidence currently available is insufficient to determine the clinical significance of this variant. It has therefore been classified as of uncertain significance.